The following is an entry in ClinVar:

ClinVar aggregate classification (germline): Uncertain significance. Review status: criteria provided, multiple submitters, no conflicts (2 of 4 stars). 2 submissions from 2 submitters: Uncertain significance (2). Last evaluated 2025-08-04.

Allele frequency attached by ClinVar (database versions not stated): gnomAD 0.00001; TOPMed 0.00001; ESP Exome Variant Server 0.00009.
gnomAD v4.1: 43 of 1,208,996 alleles (0.0036%); highest among the groups gnomAD compares: Non-Finnish European, 0.0042%; no homozygotes.

Submissions (2):

Labcorp Genetics (formerly Invitae), Labcorp
Classification: Uncertain significance. Last evaluated: 2025-08-04. Review status: criteria provided, single submitter. Criteria: Invitae Variant Classification Sherloc (09022015). Collection method: clinical testing. Allele origin: germline.
Comment: This sequence change replaces arginine, which is basic and polar, with cysteine, which is neutral and slightly polar, at codon 391 of the CLCN4 protein (p.Arg391Cys). This variant is present in population databases (rs371136650, gnomAD 0.008%), including at least one homozygous and/or hemizygous individual. This variant has not been reported in the literature in individuals affected with CLCN4-related conditions. ClinVar contains an entry for this variant (Variation ID: 1051978). Invitae Evidence Modeling of protein sequence and biophysical properties (such as structural, functional, and spatial information, amino acid conservation, physicochemical variation, residue mobility, and thermodynamic stability) indicates that this missense variant is expected to disrupt CLCN4 protein function with a positive predictive value of 95%. In summary, the available evidence is currently insufficient to determine the role of this variant in disease. Therefore, it has been classified as a Variant of Uncertain Significance.

Blueprint Genetics
Classification: Uncertain significance. Last evaluated: 2023-05-04. Review status: criteria provided, single submitter. Criteria: ACMG Guidelines, 2015. Collection method: clinical testing. Allele origin: germline.

NM_001830.4(CLCN4):c.1171C>T (p.Arg391Cys)

Gene: CLCN4 (Cl-/H+ antiporter 4; plus strand). Cytogenetic location: Xp22.2.
Variant type: single nucleotide variant.
Coding change: c.1171C>T on transcript NM_001830.4 (MANE Select); coding-DNA position 1171, C replaced by T.
Protein change: p.Arg391Cys; replaces arginine 391 with cysteine.
Molecular consequence: missense variant.
Genome position (GRCh38, 1-based): chrX:10,208,372, C>T. VCF-style: chrX-10208372-C-T. GRCh37 (hg19) VCF-style: chrX-10176412-C-T.
Other names: c.889C>T, p.Arg297Cys (NM_001256944.2); short protein forms R297C, R391C.
Identifiers: ClinVar variation 1051978 (VCV001051978.10), dbSNP rs371136650, ClinGen allele CA10347185.